The following is an entry in ClinVar:

ClinVar aggregate classification (germline): Likely benign (0 of 4 stars; one submission).

Conditions:
CLMN-related disorder. Also called: CLMN-related condition.

Allele frequency attached by ClinVar (database versions not stated): gnomAD 0.00005; TOPMed 0.00005; gnomAD exomes 0.00006; ExAC 0.00011.
gnomAD v4.1: 101 of 1,606,088 alleles (0.0063%); highest among the groups gnomAD compares: Middle Eastern, 0.23%; 1 homozygote.

Submission:

PreventionGenetics, part of Exact Sciences
Classification: Likely benign for CLMN-related condition. Last evaluated: 2019-02-26. Review status: no assertion criteria provided. Collection method: clinical testing. Allele origin: germline.
Comment: This variant is classified as likely benign based on ACMG/AMP sequence variant interpretation guidelines (Richards et al. 2015 PMID: 25741868, with internal and published modifications).

NM_024734.4(CLMN):c.783C>G (p.Pro261=)

Gene: CLMN (calmin; minus strand). Cytogenetic location: 14q32.13.
Variant type: single nucleotide variant.
Coding change: c.783C>G on transcript NM_024734.4 (MANE Select); coding-DNA position 783, C replaced by G.
Protein change: p.Pro261=; no amino-acid change (proline 261 retained).
Molecular consequence: synonymous variant.
Genome position (GRCh38, 1-based): chr14:95,210,705, G>C on the plus strand (C>G on the coding strand, the complement: CLMN is on the minus strand). VCF-style: chr14-95210705-G-C. GRCh37 (hg19) VCF-style: chr14-95677042-G-C.
Identifiers: ClinVar variation 3052247 (VCV003052247.2), dbSNP rs780456472, ClinGen allele CA7332341.